The following is an entry in ClinVar:

ClinVar aggregate classification (germline): Uncertain significance. Review status: criteria provided, multiple submitters, no conflicts (2 of 4 stars). 2 submissions from 2 submitters: Uncertain significance (2). Last evaluated 2024-03-01.

Conditions:
POLD1-related polyposis and colorectal cancer syndrome (CRCS10). Also called: Colorectal cancer, susceptibility to, 10; Colorectal cancer 10; COLORECTAL CANCER, SUSCEPTIBILITY TO, ON CHROMOSOME 19q. Identifiers: Orphanet 220460, MedGen C2675481, MONDO:0012953, OMIM 612591.

Allele frequency attached by ClinVar (database versions not stated): gnomAD exomes below 0.00001.

Submissions (2):

Labcorp Genetics (formerly Invitae), Labcorp
Classification: Uncertain significance for POLD1-related polyposis and colorectal cancer syndrome. Last evaluated: 2024-03-01. Review status: criteria provided, single submitter. Criteria: Invitae Variant Classification Sherloc (09022015). Collection method: clinical testing. Allele origin: germline.
Comment: This sequence change replaces proline, which is neutral and non-polar, with histidine, which is basic and polar, at codon 239 of the POLD1 protein (p.Pro239His). This variant is not present in population databases (gnomAD no frequency). This variant has not been reported in the literature in individuals affected with POLD1-related conditions. ClinVar contains an entry for this variant (Variation ID: 660133). Advanced modeling of protein sequence and biophysical properties (such as structural, functional, and spatial information, amino acid conservation, physicochemical variation, residue mobility, and thermodynamic stability) performed at Invitae indicates that this missense variant is not expected to disrupt POLD1 protein function with a negative predictive value of 80%. In summary, the available evidence is currently insufficient to determine the role of this variant in disease. Therefore, it has been classified as a Variant of Uncertain Significance.

GeneDx
Classification: Uncertain significance. Last evaluated: 2023-03-30. Review status: criteria provided, single submitter. Criteria: GeneDx Variant Classification Process June 2021. Collection method: clinical testing. Allele origin: germline. Affected: yes.
Comment: Not observed at significant frequency in large population cohorts (gnomAD); In silico analysis supports that this missense variant does not alter protein structure/function; Has not been previously published as pathogenic or benign to our knowledge

NM_002691.4(POLD1):c.716C>A (p.Pro239His)

Gene: POLD1 (DNA polymerase delta 1, catalytic subunit; plus strand). Cytogenetic location: 19q13.33.
Variant type: single nucleotide variant.
Coding change: c.716C>A on transcript NM_002691.4 (MANE Select); coding-DNA position 716, C replaced by A.
Protein change: p.Pro239His; replaces proline 239 with histidine.
Molecular consequence: missense variant. On other transcripts: non-coding transcript variant (1).
Genome position (GRCh38, 1-based): chr19:50,402,331, C>A. VCF-style: chr19-50402331-C-A. GRCh37 (hg19) VCF-style: chr19-50905588-C-A.
Other names: c.716C>A, p.Pro239His (NM_001256849.1, NM_001308632.1); short protein forms P239H.
Identifiers: ClinVar variation 660133 (VCV000660133.9), dbSNP rs1601201029, ClinGen allele CA406974480.
Genomic context (GRCh38, chr19:50,402,331, plus strand): 5'-TCGTGGCCCCGGCCCGCCGTCTCCTGGAACAGGGCATCCGTGTGGCAGGCCTGGGCACGC[C>A]CAGCTTCGCGCCCTACGAGGCCAACGTCGACTTTGAGATCCGGTACGGCCTCTGCCTCAC-3'
Protein context (NP_002682.2, residues 229-249): QGIRVAGLGT[Pro239His]SFAPYEANVD